The following is an entry in ClinVar:

ClinVar aggregate classification (germline): Uncertain significance (1 of 4 stars; one submission).

Conditions:
Cardiomyopathy (CMYO). Also called: Cardiomyopathies. Identifiers: Orphanet 167848, MedGen C0878544, MONDO:0004994, HP:0001638. Inheritance: Various modes of inheritance.

Submission:

Color Diagnostics, LLC DBA Color Health
Classification: Uncertain significance for Cardiomyopathy. Last evaluated: 2024-06-25. Review status: criteria provided, single submitter. Criteria: ACMG Guidelines, 2015. Collection method: clinical testing. Allele origin: germline.
Comment: This missense variant replaces aspartic acid with glycine at codon 572 of the DSC2 protein. Computational prediction is inconclusive regarding the impact of this variant on protein structure and function (internally defined REVEL score threshold 0.5 < inconclusive < 0.7, PMID: 27666373). To our knowledge, functional studies have not been reported for this variant. This variant has been reported in an individual affected with primary cardiomyopathy (PMID: 37477868). This variant has not been identified in the general population by the Genome Aggregation Database (gnomAD). The available evidence is insufficient to determine the role of this variant in disease conclusively. Therefore, this variant is classified as a Variant of Uncertain Significance.

Literature cited by the submitters: PubMed 37477868.

NM_024422.6(DSC2):c.1715A>G (p.Asp572Gly)

Gene: DSC2 (desmocollin 2; minus strand). Cytogenetic location: 18q12.1.
Variant type: single nucleotide variant.
Coding change: c.1715A>G on transcript NM_024422.6 (MANE Select); coding-DNA position 1715, A replaced by G.
Protein change: p.Asp572Gly; replaces aspartic acid 572 with glycine.
Molecular consequence: missense variant.
Genome position (GRCh38, 1-based): chr18:31,074,856, T>C on the plus strand (A>G on the coding strand, the complement: DSC2 is on the minus strand). VCF-style: chr18-31074856-T-C. GRCh37 (hg19) VCF-style: chr18-28654822-T-C.
Other names: c.1286A>G, p.Asp429Gly (NM_001406506.1, NM_001406507.1); c.1715A>G, p.Asp572Gly (NM_004949.5); short protein forms D429G, D572G.
Identifiers: ClinVar variation 3893964 (VCV003893964.1).